The following is an entry in ClinVar:

ClinVar aggregate classification (germline): Benign/Likely benign. Review status: criteria provided, multiple submitters, no conflicts (2 of 4 stars). 2 submissions from 2 submitters: Benign (1); Likely benign (1). Last evaluated 2024-03-21.

Conditions:
Hereditary cancer-predisposing syndrome. Also called: Neoplastic Syndromes, Hereditary; Tumor predisposition; Hereditary Cancer Syndrome; Hereditary neoplastic syndrome. Identifiers: Orphanet 140162, MedGen C0027672, MeSH D009386, MONDO:0015356.
Familial adenomatous polyposis 1 (FAP1). Also called: FAMILIAL ADENOMATOUS POLYPOSIS 1, ATTENUATED; POLYPOSIS, ADENOMATOUS INTESTINAL. Identifiers: MedGen C2713442, MONDO:0021056, OMIM 175100. Disease mechanism: loss of function.

Submissions (2):

Myriad Genetics, Inc.
Classification: Benign for Familial adenomatous polyposis 1. Last evaluated: 2024-03-21. Review status: criteria provided, single submitter. Criteria: Myriad Autosomal Dominant, Autosomal Recessive and X-Linked Classification Criteria (2023). Collection method: clinical testing. Allele origin: unknown.
Comment: This variant is considered benign. This variant is a silent/synonymous amino acid change and it is not expected to impact splicing.

Ambry Genetics
Classification: Likely benign for Hereditary cancer-predisposing syndrome. Last evaluated: 2022-04-10. Review status: criteria provided, single submitter. Criteria: Ambry Variant Classification Scheme 2023. Collection method: clinical testing. Allele origin: germline.

NM_000038.6(APC):c.3603A>C (p.Ser1201=)

Gene: APC (APC regulator of Wnt signaling pathway; plus strand). Cytogenetic location: 5q22.2.
Variant type: single nucleotide variant.
Coding change: c.3603A>C on transcript NM_000038.6 (MANE Select); coding-DNA position 3603, A replaced by C.
Protein change: p.Ser1201=; no amino-acid change (serine 1201 retained).
Molecular consequence: synonymous variant. On other transcripts: non-coding transcript variant (2).
Genome position (GRCh38, 1-based): chr5:112,839,197, A>C. VCF-style: chr5-112839197-A-C. GRCh37 (hg19) VCF-style: chr5-112174894-A-C.
Other names: c.3603A>C, p.Ser1201= (NM_001127510.3, NM_001354895.2, NM_001407450.1); c.3549A>C, p.Ser1183= (NM_001127511.3); c.3657A>C, p.Ser1219= (NM_001354896.2, NM_001407447.1, NM_001407448.1 and 1 more transcripts); c.3633A>C, p.Ser1211= (NM_001354897.2); c.3528A>C, p.Ser1176= (NM_001354898.2); c.3519A>C, p.Ser1173= (NM_001354899.2); c.3480A>C, p.Ser1160= (NM_001354900.2); c.3426A>C, p.Ser1142= (NM_001354901.2, NM_001407453.1); and 11 more.
Identifiers: ClinVar variation 1733126 (VCV001733126.2), dbSNP rs760339669, ClinGen allele CA445963651.